The following is an entry in ClinVar:

ClinVar aggregate classification (germline): Pathogenic (1 of 4 stars; one submission).

Conditions:
Kleefstra syndrome 1 (KLEFS1). Identifiers: Orphanet 261494, MedGen C0795833, MONDO:0027407, OMIM 610253.

Submission:

Laboratory of Genetics, Children's Clinical University Hospital Latvia
Classification: Pathogenic for Kleefstra syndrome 1. Review status: criteria provided, single submitter. Criteria: ACMG Guidelines, 2015. Collection method: curation. Allele origin: de novo. Affected: yes.
Comment: de novo

Literature cited by the submitters: PubMed 39013458.

NM_024757.5(EHMT1):c.3461+5G>C

Gene: EHMT1 (euchromatic histone lysine methyltransferase 1; plus strand). Cytogenetic location: 9q34.3.
Variant type: single nucleotide variant.
Coding change: c.3461+5G>C on transcript NM_024757.5 (MANE Select); 5 bases into the intron after coding-DNA position 3461, G replaced by C.
Molecular consequence: intron variant.
Genome position (GRCh38, 1-based): chr9:137,817,530, G>C. VCF-style: chr9-137817530-G-C. GRCh37 (hg19) VCF-style: chr9-140711982-G-C.
Other names: c.3440+5G>C (NM_001354263.2).
Identifiers: ClinVar variation 3236866 (VCV003236866.1).